The following is an entry in ClinVar:

NM_004385.5(VCAN):c.4279G>T (p.Ala1427Ser)

Genes: VCAN (versican; plus strand), VCAN-AS1 (VCAN antisense RNA 1; minus strand). Cytogenetic location: 5q14.3.
Variant type: single nucleotide variant.
Coding change: c.4279G>T on transcript NM_004385.5 (MANE Select); coding-DNA position 4279, G replaced by T.
Protein change: p.Ala1427Ser; replaces alanine 1427 with serine.
Molecular consequence: missense variant. On other transcripts: intron variant (2).
Genome position (GRCh38, 1-based): chr5:83,537,282, G>T. VCF-style: chr5-83537282-G-T. GRCh37 (hg19) VCF-style: chr5-82833101-G-T.
Other names: c.1318G>T, p.Ala440Ser (NM_001164097.2); c.4004-8255G>T (NM_001164098.2); c.1043-8255G>T (NM_001126336.3); short protein forms A1427S, A440S.
Identifiers: ClinVar variation 2070192 (VCV002070192.5), dbSNP rs2479102861, ClinGen allele CA360307910.

ClinVar aggregate classification (germline): Uncertain significance. Review status: criteria provided, multiple submitters, no conflicts (2 of 4 stars). 2 submissions from 2 submitters: Uncertain significance (2). Last evaluated 2022-09-15.

Submissions (2):

Blueprint Genetics
Classification: Uncertain significance. Last evaluated: 2022-09-15. Review status: criteria provided, single submitter. Criteria: ACMG Guidelines, 2015. Collection method: clinical testing. Allele origin: germline.

Labcorp Genetics (formerly Invitae), Labcorp
Classification: Uncertain significance. Last evaluated: 2022-06-27. Review status: criteria provided, single submitter. Criteria: Invitae Variant Classification Sherloc (09022015). Collection method: clinical testing. Allele origin: germline.
Comment: In summary, the available evidence is currently insufficient to determine the role of this variant in disease. Therefore, it has been classified as a Variant of Uncertain Significance. Algorithms developed to predict the effect of missense changes on protein structure and function (SIFT, PolyPhen-2, Align-GVGD) all suggest that this variant is likely to be disruptive. This variant has not been reported in the literature in individuals affected with VCAN-related conditions. This variant is not present in population databases (gnomAD no frequency). This sequence change replaces alanine, which is neutral and non-polar, with serine, which is neutral and polar, at codon 1427 of the VCAN protein (p.Ala1427Ser).